The following is an entry in ClinVar:

NM_001244008.2(KIF1A):c.4110C>T (p.Ser1370=)

Gene: KIF1A (kinesin family member 1A; minus strand). Cytogenetic location: 2q37.3.
Variant type: single nucleotide variant.
Coding change: c.4110C>T on transcript NM_001244008.2 (MANE Select); coding-DNA position 4110, C replaced by T.
Protein change: p.Ser1370=; no amino-acid change (serine 1370 retained).
Molecular consequence: synonymous variant.
Genome position (GRCh38, 1-based): chr2:240,726,838, G>A on the plus strand (C>T on the coding strand, the complement: KIF1A is on the minus strand). VCF-style: chr2-240726838-G-A. GRCh37 (hg19) VCF-style: chr2-241666255-G-A.
Other names: c.4110C>T (NM_001244008.1); c.3834C>T, p.Ser1278= (NM_001320705.2, NM_001379649.1); c.3861C>T, p.Ser1287= (NM_001330289.2); c.3909C>T, p.Ser1303= (NM_001330290.2, NM_001379648.1); c.4185C>T, p.Ser1395= (NM_001379631.1); c.4086C>T, p.Ser1362= (NM_001379632.1); c.4083C>T, p.Ser1361= (NM_001379633.1, NM_001379645.1); c.3936C>T, p.Ser1312= (NM_001379634.1); and 8 more.
Identifiers: ClinVar variation 335264 (VCV000335264.47), dbSNP rs374134509, ClinGen allele CA2207501.

ClinVar aggregate classification (germline): Conflicting classifications of pathogenicity. Review status: criteria provided, conflicting classifications (1 of 4 stars). 5 submissions from 5 submitters: Uncertain significance (2); Likely benign (3). Last evaluated 2026-09-15.

Conditions:
Hereditary spastic paraplegia 30. Identifiers: Orphanet 101010, MedGen C5235139, MONDO:0012476.
Neuropathy, hereditary sensory, type 2C. Also called: KIF1A-Related HSAN2 (HSAN2C); Hereditary sensory and autonomic neuropathy type IIC. Identifiers: Orphanet 970, MedGen C3280168, MONDO:0013634, OMIM 614213.
Intellectual disability, autosomal dominant 9 (NESCAVS). Also called: NESCAV SYNDROME; KIF1A-Related Neurodevelopmental Disorder. Identifiers: Orphanet 662367, MedGen C5393830, MONDO:0013656, OMIM 614255.
Inborn genetic diseases. Identifiers: MedGen C0950123, MeSH D030342.
KIF1A-related disorder. Also called: KIF1A-related disorders; KIF1A-related condition.

Allele frequency attached by ClinVar (database versions not stated): ESP Exome Variant Server 0.00008; gnomAD 0.00009; gnomAD exomes 0.00010 and 0.00013; TOPMed 0.00013; ExAC 0.00024.
gnomAD v4.1: 166 of 1,606,804 alleles (0.01%); highest among the groups gnomAD compares: Non-Finnish European, 0.012%; no homozygotes.

Submissions (5):

PreventionGenetics, part of Exact Sciences
Classification: Uncertain significance for KIF1A-related condition. Last evaluated: 2026-09-15. Review status: criteria provided, single submitter. Criteria: ACMG Guidelines, 2015. Collection method: clinical testing. Allele origin: germline.
Comment: The KIF1A c.4110C>T variant is not predicted to result in an amino acid change (p.=). This variant is predicted to impact splicing based on splicing prediction programs (SpliceAI, Jaganathan et al. 2019. PubMed ID: 30661751). However, the use of computer prediction programs is not equivalent to functional evidence. To our knowledge, this variant has not been reported in the literature. This variant is reported in 0.018% of alleles in individuals of European (Non-Finnish) descent in gnomAD. At this time, the clinical significance of this variant is uncertain due to the absence of conclusive functional and genetic evidence.

Labcorp Genetics (formerly Invitae), Labcorp
Classification: Likely benign for Hereditary spastic paraplegia 30; Neuropathy, hereditary sensory, type 2C; Intellectual disability, autosomal dominant 9. Last evaluated: 2025-12-08. Review status: criteria provided, single submitter. Criteria: Invitae Variant Classification Sherloc (09022015). Collection method: clinical testing. Allele origin: germline.

CeGaT Center for Human Genetics Tuebingen
Classification: Likely benign. Last evaluated: 2022-08-01. Review status: criteria provided, single submitter. Criteria: CeGaT Center For Human Genetics Tuebingen Variant Classification Criteria Version 2. Collection method: clinical testing. Allele origin: germline. Affected: yes. Observed: 1 variant allele.
Comment: KIF1A: BP4, BP7

Ambry Genetics
Classification: Likely benign for Inborn genetic diseases. Last evaluated: 2019-07-11. Review status: criteria provided, single submitter. Criteria: Ambry Variant Classification Scheme 2023. Collection method: clinical testing. Allele origin: germline.

Illumina Laboratory Services, Illumina
Classification: Uncertain significance for Spastic paraplegia 30A, autosomal dominant. Last evaluated: 2018-01-12. Review status: criteria provided, single submitter. Criteria: ICSL Variant Classification Criteria 13 December 2019. Collection method: clinical testing. Allele origin: germline.